The following is an entry in ClinVar:

NM_144991.3(TSPEAR):c.1133T>G (p.Phe378Cys)

Gene: TSPEAR (thrombospondin type laminin G domain and EAR repeats; minus strand). Cytogenetic location: 21q22.3.
Variant type: single nucleotide variant.
Coding change: c.1133T>G on transcript NM_144991.3 (MANE Select); coding-DNA position 1133, T replaced by G.
Protein change: p.Phe378Cys; replaces phenylalanine 378 with cysteine.
Molecular consequence: missense variant.
Genome position (GRCh38, 1-based): chr21:44,527,308, A>C on the plus strand (T>G on the coding strand, the complement: TSPEAR is on the minus strand). VCF-style: chr21-44527308-A-C. GRCh37 (hg19) VCF-style: chr21-45947191-A-C.
Other names: c.929T>G, p.Phe310Cys (NM_001272037.2); short protein forms F378C, F310C.
Identifiers: ClinVar variation 2120726 (VCV002120726.2), dbSNP rs1309219963, ClinGen allele CA410440316.

ClinVar aggregate classification (germline): Uncertain significance (1 of 4 stars; one submission).

Allele frequency attached by ClinVar (database versions not stated): TOPMed below 0.00001; gnomAD exomes 0.00001.
gnomAD v4.1: 17 of 1,614,176 alleles (0.0011%); highest among the groups gnomAD compares: Non-Finnish European, 0.0014%; no homozygotes.

Submission:

Labcorp Genetics (formerly Invitae), Labcorp
Classification: Uncertain significance. Last evaluated: 2022-09-19. Review status: criteria provided, single submitter. Criteria: Invitae Variant Classification Sherloc (09022015). Collection method: clinical testing. Allele origin: germline.
Comment: In summary, the available evidence is currently insufficient to determine the role of this variant in disease. Therefore, it has been classified as a Variant of Uncertain Significance. Algorithms developed to predict the effect of missense changes on protein structure and function (SIFT, PolyPhen-2, Align-GVGD) all suggest that this variant is likely to be disruptive. This missense change has been observed in individual(s) with ectodermal dysplasia (Invitae). In at least one individual the data is consistent with being in trans (on the opposite chromosome) from a pathogenic variant. This variant is not present in population databases (gnomAD no frequency). This sequence change replaces phenylalanine, which is neutral and non-polar, with cysteine, which is neutral and slightly polar, at codon 378 of the TSPEAR protein (p.Phe378Cys).